The following is an entry in ClinVar:

ClinVar aggregate classification (germline): Likely benign. Review status: criteria provided, multiple submitters, no conflicts (2 of 4 stars). 2 submissions from 2 submitters: Likely benign (2). Last evaluated 2024-11-13.

gnomAD v4.1: 3,667 of 1,604,118 alleles (0.23%); highest among the groups gnomAD compares: South Asian, 0.29%; 6 homozygotes.

Submissions (2):

Blueprint Genetics
Classification: Likely benign. Last evaluated: 2024-11-13. Review status: criteria provided, single submitter. Criteria: ACMG Guidelines, 2015. Collection method: clinical testing. Allele origin: germline.

CeGaT Center for Human Genetics Tuebingen
Classification: Likely benign. Last evaluated: 2024-11-01. Review status: criteria provided, single submitter. Criteria: CeGaT Center For Human Genetics Tuebingen Variant Classification Criteria Version 2. Collection method: clinical testing. Allele origin: germline. Affected: yes. Observed: 1 variant allele.
Comment: SLC30A9: BP4, BS1

NM_006345.4(SLC30A9):c.154C>T (p.Pro52Ser)

Gene: SLC30A9 (solute carrier family 30 member 9; plus strand). Cytogenetic location: 4p13.
Variant type: single nucleotide variant.
Coding change: c.154C>T on transcript NM_006345.4 (MANE Select); coding-DNA position 154, C replaced by T.
Protein change: p.Pro52Ser; replaces proline 52 with serine.
Molecular consequence: missense variant.
Genome position (GRCh38, 1-based): chr4:42,001,660, C>T. VCF-style: chr4-42001660-C-T. GRCh37 (hg19) VCF-style: chr4-42003677-C-T.
Other names: short protein forms P52S.
Identifiers: ClinVar variation 3387965 (VCV003387965.15).